The following is an entry in ClinVar:

NM_003091.4(SNRPB):c.155+301G>C

Gene: SNRPB (small nuclear ribonucleoprotein polypeptides B and B1; minus strand). Cytogenetic location: 20p13.
Variant type: single nucleotide variant.
Coding change: c.155+301G>C on transcript NM_003091.4 (MANE Select); 301 bases into the intron after coding-DNA position 155, G replaced by C.
Molecular consequence: intron variant.
Genome position (GRCh38, 1-based): chr20:2,467,306, C>G on the plus strand (G>C on the coding strand, the complement: SNRPB is on the minus strand). VCF-style: chr20-2467306-C-G. GRCh37 (hg19) VCF-style: chr20-2447952-C-G.
Other names: R55S; c.155+301G>C (NM_198216.2, NM_003091.3).
Identifiers: ClinVar variation 183431 (VCV000183431.12), dbSNP rs786201019, ClinGen allele CA186109.
Genomic context (GRCh38, chr20:2,467,306, plus strand): 5'-GAGCCCTTTAGGCTACAGCTTTACAAATAGGCAATGAGGCCAGAAACTCAAGCTCTCCCC[C>G]CTCACACACCTGTGGGGAGAACATGAGAGCCCTTTACCCCAGTACCCAGGGGCACGCAAA-3'

ClinVar aggregate classification (germline): Pathogenic/Likely pathogenic. Review status: criteria provided, multiple submitters, no conflicts (2 of 4 stars). 9 submissions from 9 submitters: Pathogenic (5); Likely pathogenic (1). 3 of the submissions do not count toward it. Last evaluated 2025-07-12.

Conditions:
SNRPB-related disorder. Also called: SNRPB-related condition.
Cerebro-costo-mandibular syndrome (CCMS). Also called: RIB GAP DEFECTS WITH MICROGNATHIA; Cerebrocostomandibular syndrome. Identifiers: Orphanet 1393, MedGen C0265342, MONDO:0007301, OMIM 117650.

Submissions (9):

PreventionGenetics, part of Exact Sciences
Classification: Pathogenic for SNRPB-related condition. Last evaluated: 2025-07-12. Review status: criteria provided, single submitter. Criteria: ACMG Guidelines, 2015. Collection method: clinical testing. Allele origin: germline.
Comment: The SNRPB c.155+301G>C variant is predicted to interfere with splicing. This variant has frequently been reported to occur de novo in patients with cerebrocostomandibular syndrome (CCMS) (Lynch et al 2014. PubMed ID: 25047197; Patient 2, Supplemental Table S1, Bacrot et al 2014. PubMed ID: 25504470; Table 2, Tooley et al 2016. PubMed ID: 26971886). This variant results in the inclusion of a regulatory exon that triggers nonsense-mediated mRNA decay of the transcript (Lynch et al 2014. PubMed ID: 25047197). Prenatal presentations of CCMS can include increased nuchal translucency, intrauterine growth retardation, polyhydramnios, and micrognathia (Tooley et al. 2016. PubMed ID: 26971886). This variant has not been reported in a large population database (gnomAD), indicating this variant is rare. This variant is interpreted as pathogenic.

3billion
Classification: Likely pathogenic for Cerebro-costo-mandibular syndrome. Last evaluated: 2025-03-06. Review status: criteria provided, single submitter. Criteria: ACMG Guidelines, 2015. Collection method: clinical testing. Allele origin: germline. Affected: yes.
Comment: The variant is not observed in the gnomAD v4.1.0 dataset. Predicted Consequence/Location: Intron variant: previously reported to alter splicing from an in vitro assay and reduce expression level of the gene (PMID: 25047197). The variant has been reported at least twice as pathogenic with clinical assertions and evidence for the classification (ClinVar ID: VCV000183431). Therefore, this variant is classified as Likely pathogenic (PS2_S, PM2_M, PP3_P) according to the recommendation of ACMG/AMP guideline.

Institute of Medical Genetics and Applied Genomics, University Hospital Tübingen
Classification: Pathogenic for Cerebro-costo-mandibular syndrome. Last evaluated: 2025-01-24. Review status: criteria provided, single submitter. Criteria: ACMG Guidelines, 2015. Collection method: clinical testing. Allele origin: de novo. Inheritance: Autosomal dominant inheritance. Affected: yes.

GeneDx
Classification: Pathogenic. Last evaluated: 2024-03-03. Review status: criteria provided, single submitter. Criteria: GeneDx Variant Classification Process June 2021. Collection method: clinical testing. Allele origin: germline. Affected: yes.
Comment: Not observed at significant frequency in large population cohorts (gnomAD); In silico analysis supports that this variant does not alter splicing; This variant is associated with the following publications: (PMID: 25504470, 25047197, 26971886, 26240113, 35982159, 37161864, 33057194)

HudsonAlpha Institute for Biotechnology
Classification: Pathogenic for Cerebro-costo-mandibular syndrome. Last evaluated: 2023-02-21. Review status: criteria provided, single submitter. Criteria: ACMG Guidelines, 2015. Collection method: research. Allele origin: unknown. Affected: yes. Observed: 1 variant allele. Study: CSER-SouthSeq.

Victorian Clinical Genetics Services, Murdoch Childrens Research Institute
Classification: Pathogenic for Cerebro-costo-mandibular syndrome. Last evaluated: 2022-02-02. Review status: criteria provided, single submitter. Criteria: ACMG Guidelines, 2015. Collection method: clinical testing. Allele origin: germline. Inheritance: Autosomal dominant inheritance. Affected: yes.
Comment: Based on the classification scheme VCGS_Germline_v1.3.4, this variant is classified as Pathogenic. Following criteria are met: 0104 - Dominant negative is a known mechanism of disease in this gene and is associated with cerebrocostomandibular syndrome (MIM#117650). Pathogenic variants cluster at two conserved exonic splicing silencer regulatory sites in a premature termination codon (PTC) containing alternative exon, which undergoes nonsense-mediated decay and serves to regulate expression of the functional transcripts. Pathogenic variants promote the inclusion of the PTC-containing alternative exon, resulting in reduced expression of the functional transcripts (PMID: 25047197, 25504470, 26971886). (I) 0107 - This gene is associated with autosomal dominant disease. (I) 0217 - Non-coding variant with known effect. This intronic variant also results in a missense variant in a regulatory exon of the alternative PTC-containing transcript (ENST00000474384:c.165G>C; p.(Arg55Ser)). This alternative transcript is important for regulation of SNRPB expression, a gene that encodes core components of major spliceosome subunits. The variant results in increased expression of the PTC-containing transcript, inclusion of an alternative exon, and an overall decrease in total SNRPB expression (PMID: 25047197). (SP) 0251 - This variant is heterozygous. (I) 0301 - Variant is absent from gnomAD (both v2 and v3). (SP) 0311 - Alternative nucleotide changes at the same intronic position have been observed in gnomAD (v2 & v3) (highest allele count: 16 heterozygotes, 0 homozygotes). (I) 0801 - This variant has strong previous evidence of pathogenicity in unrelated individuals. The variant has previously been reported as pathogenic in multiple individuals with cerebrocostomandibular syndrome (MIM#117650), many of whom were de novo, and is often annotated as g.2447952C>G (GRCh37) using the genomic location (ClinVar, LOVD, PMID: 25047197, PMID: 26971886). (SP) 1101 - Very strong and specific phenotype match for this individual. (SP) Legend: (SP) - Supporting pathogenic, (I) - Information, (SB) - Supporting benign

Clinical Genomics Laboratory, Stanford Medicine
Classification: Pathogenic for Cerebro-costo-mandibular syndrome. Last evaluated: 2020-06-16. Review status: no assertion criteria provided. Collection method: clinical testing. Allele origin: germline. Inheritance: Autosomal dominant inheritance. Affected: yes. Not counted in ClinVar's aggregate classification.
Comment: The c.155+301G>C variant in the SNRPB gene has been previously reported in 10 unrelated individuals with cerebro-costo-mandibular syndrome(identified de novo in 6 of those individuals)and co-segregated with disease in 1 affected relative (Bacrot et al., 2015; Lynch et al., 2014; Tooley et al., 2016). This variant was absent from large population databases, including the Genome Aggregation Database.Functional studies ofthe c.155+301G>C variant demonstrated an increased level of regulatory transcript and decreased levels of functional transcript in patient cells(Bacrot et al., 2015; Lynch et al., 2014).This variant is located in the alternate exon in the regulatory PTC transcript of SNRPB. Other pathogenic and likely pathogenic variants have been described in this exon and lead to increased transcription of the regulatory PTC transcript and decreased transcription of the functional protein coding transcripts. These data were assessed using the ACMG/AMP variant interpretation guidelines. In summary, there is sufficient evidence to classify the c.155+301G>C variant as pathogenic for autosomal dominant cerebro-costo-mandibular syndrome based on the information above.[ACMG evidence codes used: PS3_Supporting; PM1; PM2; PM6_VeryStrong]

Autoinflammatory diseases unit, CHU de Montpellier
Classification: Likely pathogenic for Cerebro-costo-mandibular syndrome. Last evaluated: 2020-01-13. Review status: no assertion criteria provided. Collection method: clinical testing. Allele origin: unknown. Affected: yes. Not counted in ClinVar's aggregate classification.

OMIM
Classification: Pathogenic for CEREBROCOSTOMANDIBULAR SYNDROME. Last evaluated: 2015-02-01. Review status: no assertion criteria provided. Collection method: literature only. Allele origin: germline. Not counted in ClinVar's aggregate classification.

Literature cited by the submitters: PubMed 25047197 (cited by 3 submitters); PubMed 25504470 (cited by Victorian Clinical Genetics Services, Murdoch Childrens Research Institute and OMIM); PubMed 26971886 (cited by Victorian Clinical Genetics Services, Murdoch Childrens Research Institute and OMIM); PubMed 26240113 (cited by OMIM).